The following is an entry in ClinVar:

ClinVar aggregate classification (germline): Uncertain significance (1 of 4 stars; one submission).

Submission:

Labcorp Genetics (formerly Invitae), Labcorp
Classification: Uncertain significance. Last evaluated: 2025-06-12. Review status: criteria provided, single submitter. Criteria: Invitae Variant Classification Sherloc (09022015). Collection method: clinical testing. Allele origin: germline.
Comment: This variant, c.2903_2908del, results in the deletion of 2 amino acid(s) of the BRD4 protein (p.Gln968_Gln969del), but otherwise preserves the integrity of the reading frame. This variant is not present in population databases (gnomAD no frequency). This variant has not been reported in the literature in individuals affected with BRD4-related conditions. Experimental studies and prediction algorithms are not available or were not evaluated, and the functional significance of this variant is currently unknown. In summary, the available evidence is currently insufficient to determine the role of this variant in disease. Therefore, it has been classified as a Variant of Uncertain Significance.

NM_001379291.1(BRD4):c.2900AGC[1] (p.Gln968_Gln969del)

Gene: BRD4 (bromodomain containing 4; minus strand). Cytogenetic location: 19p13.12.
Variant type: Microsatellite.
Coding change: c.2900AGC[1] on transcript NM_001379291.1 (MANE Select); one copy of the 3-base unit AGC starting at c.2900; the reference has three copies in a row; two copies, 6 bases deleted.
Protein change: p.Gln968_Gln969del.
Molecular consequence: inframe deletion.
Genome position (GRCh38, 1-based): chr19:15,243,161-15,243,166, GCTGCT deleted on the plus strand (AGCAGC on the coding strand, the reverse complement: BRD4 is on the minus strand); deleting any 6 consecutive bases within chr19:15,243,161-15,243,171 gives the same sequence; the position shown is the placement nearest the transcript's 3' end. VCF-style (leftmost placement, unchanged base first): chr19-15243160-AGCTGCT-A. GRCh37 (hg19) VCF-style: chr19-15353971-AGCTGCT-A.
Other names: c.2900AGC[1], p.Gln968_Gln969del (NM_058243.3).
Identifiers: ClinVar variation 2053792 (VCV002053792.4), dbSNP rs2047253835, ClinGen allele CA993915870.
Genomic context (GRCh38, chr19:15,243,160, plus strand): 5'-TGCTGCTGCTGGGGTGGAGGCTGGGGCTGGGGTGGTGGGGGTGGTGGCGGCTGCTGCTGC[AGCTGCT>A]GCTGCACAGAGGGGTGGGGTGGGGGCGGCAGGGGGGGTGGGGGCTGGGACTGCACCTTCA-3'